The following is an entry in ClinVar:

ClinVar aggregate classification (germline): Uncertain significance (1 of 4 stars; one submission).

Conditions:
Fanconi anemia (FA). Also called: Fanconi's anemia. Identifiers: Orphanet 84, MedGen C0015625, MeSH D005199, MONDO:0019391.

Submission:

Labcorp Genetics (formerly Invitae), Labcorp
Classification: Uncertain significance for Fanconi anemia. Last evaluated: 2021-02-05. Review status: criteria provided, single submitter. Criteria: Invitae Variant Classification Sherloc (09022015). Collection method: clinical testing. Allele origin: germline.
Comment: In summary, the available evidence is currently insufficient to determine the role of this variant in disease. Therefore, it has been classified as a Variant of Uncertain Significance. Nucleotide substitutions within the consensus splice site are a relatively common cause of aberrant splicing (PMID: 17576681, 9536098). Algorithms developed to predict the effect of sequence changes on RNA splicing suggest that this variant may disrupt the consensus splice site, but this prediction has not been confirmed by published transcriptional studies. This variant has not been reported in the literature in individuals with FANCM-related conditions. This variant is not present in population databases (ExAC no frequency). This sequence change falls in intron 10 of the FANCM gene. It does not directly change the encoded amino acid sequence of the FANCM protein. It affects a nucleotide within the consensus splice site of the intron.

Literature cited by the submitters: PubMed 17576681; PubMed 9536098.

NM_020937.4(FANCM):c.1788+6T>G

Gene: FANCM (FA complementation group M; plus strand). Cytogenetic location: 14q21.2.
Variant type: single nucleotide variant.
Coding change: c.1788+6T>G on transcript NM_020937.4 (MANE Select); 6 bases into the intron after coding-DNA position 1788, T replaced by G.
Molecular consequence: intron variant.
Genome position (GRCh38, 1-based): chr14:45,164,571, T>G. VCF-style: chr14-45164571-T-G. GRCh37 (hg19) VCF-style: chr14-45633774-T-G.
Other names: c.1710+6T>G (NM_001308133.2); c.1788+6T>G (NM_001308134.2).
Identifiers: ClinVar variation 1370067 (VCV001370067.6), dbSNP rs2139205570, ClinGen allele CA2573149946.